The following is an entry in ClinVar:

ClinVar aggregate classification (germline): Likely benign (0 of 4 stars; one submission).

Conditions:
CIC-related disorder. Also called: CIC-related condition.

Allele frequency attached by ClinVar (database versions not stated): gnomAD exomes below 0.00001; TOPMed below 0.00001.
gnomAD v4.1: 1 of 398,658 alleles (0.00025%); highest among the groups gnomAD compares: Non-Finnish European, 0.00044%; no homozygotes.

Submission:

PreventionGenetics, part of Exact Sciences
Classification: Likely benign for CIC-related condition. Last evaluated: 2019-08-12. Review status: no assertion criteria provided. Collection method: clinical testing. Allele origin: germline.
Comment: This variant is classified as likely benign based on ACMG/AMP sequence variant interpretation guidelines (Richards et al. 2015 PMID: 25741868, with internal and published modifications).

NM_001386298.1(CIC):c.1431C>A (p.Ala477=)

Gene: CIC (capicua transcriptional repressor; plus strand). Cytogenetic location: 19q13.2.
Variant type: single nucleotide variant.
Coding change: c.1431C>A on transcript NM_001386298.1 (MANE Select); coding-DNA position 1431, C replaced by A.
Protein change: p.Ala477=; no amino-acid change (alanine 477 retained).
Molecular consequence: synonymous variant.
Genome position (GRCh38, 1-based): chr19:42,273,214, C>A. VCF-style: chr19-42273214-C-A. GRCh37 (hg19) VCF-style: chr19-42777366-C-A.
Other names: c.1431C>A, p.Ala477= (NM_001304815.2, NM_001379480.1, NM_001379482.1 and 1 more transcripts).
Identifiers: ClinVar variation 3035900 (VCV003035900.2), dbSNP rs2036852027, ClinGen allele CA507701885.